The following is an entry in ClinVar:

ClinVar aggregate classification (germline): Uncertain significance (1 of 4 stars; one submission).

gnomAD v4.1: 3 of 1,612,994 alleles (0.00019%); highest among the groups gnomAD compares: Admixed American, 0.0017%; no homozygotes.

Submission:

Labcorp Genetics (formerly Invitae), Labcorp
Classification: Uncertain significance. Last evaluated: 2026-01-23. Review status: criteria provided, single submitter. Criteria: Invitae Variant Classification Sherloc (09022015). Collection method: clinical testing. Allele origin: germline.
Comment: This sequence change replaces methionine, which is neutral and non-polar, with valine, which is neutral and non-polar, at codon 386 of the PDE6B protein (p.Met386Val). This variant is not present in population databases (gnomAD no frequency). This variant has not been reported in the literature in individuals affected with PDE6B-related conditions. Invitae Evidence Modeling of protein sequence and biophysical properties (such as structural, functional, and spatial information, amino acid conservation, physicochemical variation, residue mobility, and thermodynamic stability) indicates that this missense variant is not expected to disrupt PDE6B protein function with a negative predictive value of 95%. In summary, the available evidence is currently insufficient to determine the role of this variant in disease. Therefore, it has been classified as a Variant of Uncertain Significance.

NM_000283.4(PDE6B):c.1156A>G (p.Met386Val)

Gene: PDE6B (phosphodiesterase 6B; plus strand). Cytogenetic location: 4p16.3.
Variant type: single nucleotide variant.
Coding change: c.1156A>G on transcript NM_000283.4 (MANE Select); coding-DNA position 1156, A replaced by G.
Protein change: p.Met386Val; replaces methionine 386 with valine.
Molecular consequence: missense variant. On other transcripts: initiator codon variant (1).
Genome position (GRCh38, 1-based): chr4:656,922, A>G. VCF-style: chr4-656922-A-G. GRCh37 (hg19) VCF-style: chr4-650711-A-G.
Other names: c.1156A>G, p.Met386Val (NM_001145291.2, NM_001440547.1, NM_001440548.1); c.319A>G, p.Met107Val (NM_001145292.2, NM_001350154.3, NM_001379246.1 and 1 more transcripts); c.1A>G, p.Met1Val (NM_001350155.3); short protein forms M107V, M1V, M386V.
Identifiers: ClinVar variation 4703524 (VCV004703524.1).